The following is an entry in ClinVar:

ClinVar aggregate classification (germline): Uncertain significance. Review status: criteria provided, multiple submitters, no conflicts (2 of 4 stars). 2 submissions from 2 submitters: Uncertain significance (2). Last evaluated 2025-05-25.

Conditions:
Combined immunodeficiency due to CD3gamma deficiency. Also called: Immunodeficiency 17, CD3 gamma deficient; Immunodeficiency 17; SCID-LIKE IMMUNODEFICIENCY, T CELL-PARTIAL, B CELL-POSITIVE, NK CELL-POSITIVE; CD3-GAMMA DEFICIENCY. Identifiers: Orphanet 169082, MedGen C3810107, MONDO:0014276, OMIM 615607.

Allele frequency attached by ClinVar (database versions not stated): gnomAD 0.00001; gnomAD exomes below 0.00001; TOPMed 0.00001.
gnomAD v4.1: 7 of 1,613,716 alleles (0.00043%); highest among the groups gnomAD compares: African/African-American, 0.0013%; no homozygotes.

Submissions (2):

Ambry Genetics
Classification: Uncertain significance. Last evaluated: 2025-05-25. Review status: criteria provided, single submitter. Criteria: Ambry Variant Classification Scheme 2023. Collection method: clinical testing. Allele origin: germline.

Labcorp Genetics (formerly Invitae), Labcorp
Classification: Uncertain significance for Combined immunodeficiency due to CD3gamma deficiency. Last evaluated: 2020-10-28. Review status: criteria provided, single submitter. Criteria: Invitae Variant Classification Sherloc (09022015). Collection method: clinical testing. Allele origin: germline.
Comment: In summary, the available evidence is currently insufficient to determine the role of this variant in disease. Therefore, it has been classified as a Variant of Uncertain Significance. Algorithms developed to predict the effect of missense changes on protein structure and function (SIFT, PolyPhen-2, Align-GVGD) all suggest that this variant is likely to be disruptive, but these predictions have not been confirmed by published functional studies and their clinical significance is uncertain. This variant has not been reported in the literature in individuals with CD3G-related conditions. This variant is not present in population databases (ExAC no frequency). This sequence change replaces arginine with threonine at codon 146 of the CD3G protein (p.Arg146Thr). The arginine residue is highly conserved and there is a moderate physicochemical difference between arginine and threonine.

NM_000073.3(CD3G):c.437G>C (p.Arg146Thr)

Genes: CD3G (CD3 gamma subunit of T-cell receptor complex; plus strand), LOC126861358 (BRD4-independent group 4 enhancer GRCh37_chr11:118220212-118221411; plus strand). Cytogenetic location: 11q23.3.
Variant type: single nucleotide variant.
Coding change: c.437G>C on transcript NM_000073.3 (MANE Select); coding-DNA position 437, G replaced by C.
Protein change: p.Arg146Thr; replaces arginine 146 with threonine.
Molecular consequence: missense variant.
Genome position (GRCh38, 1-based): chr11:118,350,681, G>C. VCF-style: chr11-118350681-G-C. GRCh37 (hg19) VCF-style: chr11-118221396-G-C.
Other names: c.437G>C (NM_000073.2); short protein forms R146T.
Identifiers: ClinVar variation 1010005 (VCV001010005.9), dbSNP rs916908630, ClinGen allele CA229528113.